The following is an entry in ClinVar:

NM_001348768.2(HECW2):c.447C>T (p.Ala149=)

Gene: HECW2 (HECT, C2 and WW domain containing E3 ubiquitin protein ligase 2; minus strand). Cytogenetic location: 2q32.3.
Variant type: single nucleotide variant.
Coding change: c.447C>T on transcript NM_001348768.2 (MANE Select); coding-DNA position 447, C replaced by T.
Protein change: p.Ala149=; no amino-acid change (alanine 149 retained).
Molecular consequence: synonymous variant. On other transcripts: 5 prime UTR variant (1).
Genome position (GRCh38, 1-based): chr2:196,334,472, G>A on the plus strand (C>T on the coding strand, the complement: HECW2 is on the minus strand). VCF-style: chr2-196334472-G-A. GRCh37 (hg19) VCF-style: chr2-197199196-G-A.
Other names: c.-450C>T (NM_001304840.3); c.447C>T, p.Ala149= (NM_020760.4).
Identifiers: ClinVar variation 3390047 (VCV003390047.14).

ClinVar aggregate classification (germline): Likely benign (1 of 4 stars; one submission).

gnomAD v4.1: 3 of 1,609,866 alleles (0.00019%); highest among the groups gnomAD compares: Non-Finnish European, 0.00025%; no homozygotes.

Submission:

CeGaT Center for Human Genetics Tuebingen
Classification: Likely benign. Last evaluated: 2024-11-01. Review status: criteria provided, single submitter. Criteria: CeGaT Center For Human Genetics Tuebingen Variant Classification Criteria Version 2. Collection method: clinical testing. Allele origin: germline. Affected: yes. Observed: 1 variant allele.
Comment: HECW2: BP4, BP7